The following is an entry in ClinVar:

NM_058246.4(DNAJB6):c.*902C>T

Gene: DNAJB6 (DnaJ heat shock protein family (Hsp40) member B6; plus strand). Cytogenetic location: 7q36.3.
Variant type: single nucleotide variant.
Coding change: c.*902C>T on transcript NM_058246.4 (MANE Select); 902 bases downstream of the stop codon, C replaced by T.
Molecular consequence: 3 prime UTR variant.
Genome position (GRCh38, 1-based): chr7:157,417,000, C>T. VCF-style: chr7-157417000-C-T. GRCh37 (hg19) VCF-style: chr7-157209694-C-T.
Other names: c.*902C>T (NM_001363676.1).
Identifiers: ClinVar variation 359478 (VCV000359478.6), dbSNP rs547235102, ClinGen allele CA10623562.

ClinVar aggregate classification (germline): Benign (1 of 4 stars; one submission).

Conditions:
Autosomal dominant limb-girdle muscular dystrophy type 1D (DNAJB6) (LGMDD1). Also called: MUSCULAR DYSTROPHY, LIMB-GIRDLE, TYPE 1D; MUSCULAR DYSTROPHY, AUTOSOMAL DOMINANT, WITH RIMMED VACUOLES; Autosomal dominant limb-girdle muscular dystrophy type 1D; Muscular dystrophy, limb-girdle, autosomal dominant 1. Identifiers: Orphanet 34516, MedGen C4721885, MONDO:0021018, OMIM 603511.

Allele frequency attached by ClinVar (database versions not stated): 1000 Genomes Project 0.00040; TOPMed 0.00042; gnomAD 0.00054 and 0.00056; 1000 Genomes Project 30x 0.00062.

Submission:

Illumina Laboratory Services, Illumina
Classification: Benign for Autosomal dominant limb-girdle muscular dystrophy type 1D (DNAJB6). Last evaluated: 2018-01-13. Review status: criteria provided, single submitter. Criteria: ICSL Variant Classification Criteria 13 December 2019. Collection method: clinical testing. Allele origin: germline.
Comment: This variant was observed in the ICSL laboratory as part of a predisposition screen in an ostensibly healthy population. It had not been previously curated by ICSL or reported in the Human Gene Mutation Database (HGMD: prior to June 1st, 2018), and was therefore a candidate for classification through an automated scoring system. Utilizing variant allele frequency, disease prevalence and penetrance estimates, and inheritance mode, an automated score was calculated to assess if this variant is too frequent to cause the disease. Based on the score and internal cut-off values, a variant classified as benign is not then subjected to further curation. The score for this variant resulted in a classification of benign for this disease.